The following is an entry in ClinVar:

ClinVar aggregate classification (germline): Pathogenic (1 of 4 stars; one submission).

Conditions:
Alkuraya-Kucinskas syndrome. Identifiers: Orphanet 610569, MedGen C4693347, MONDO:0060631, OMIM 617822.

Submission:

Variantyx, Inc.
Classification: Pathogenic for Alkuraya-Kucinskas syndrome. Last evaluated: 2025-06-03. Review status: criteria provided, single submitter. Criteria: Variantyx Assertion Criteria 2022. Collection method: clinical testing. Allele origin: germline. Inheritance: Autosomal recessive inheritance. Affected: yes.
Comment: This is a frameshift variant in the BLTP1 gene (OMIM: 611565). Pathogenic variants in this gene have been associated with autosomal recessive Alkuraya-Kucinskas syndrome. This variant introduces a premature termination codon in exon 86 out of 88 and is expected to result in loss of function, which is a known disease mechanism for BLTP1 in this disorder (PMID: 29290337) (PVS1). The clinical symptoms reported for this proband are highly specific for autosomal recessive Alkuraya-Kucinskas syndrome, which has a limited genetic etiology (PMID: 29290337) (PP4). This variant is absent from control populations (PM2). Based on the current evidence, this variant is classified as pathogenic for autosomal recessive Alkuraya-Kucinskas syndrome.

Literature cited by the submitters: PubMed 29290337.

NM_001384125.1(BLTP1):c.14805_14806insAA (p.Glu4936fs)

Gene: BLTP1 (bridge-like lipid transfer protein family member 1; plus strand). Cytogenetic location: 4q27.
Variant type: Insertion.
Coding change: c.14805_14806insAA on transcript NM_001384125.1 (MANE Select); coding-DNA positions 14805 to 14806, AA inserted.
Protein change: p.Glu4936fs; shifts the reading frame from glutamic acid 4936.
Molecular consequence: frameshift variant.
Genome position: GRCh38 VCF-style: chr4-122356660-C-CAA. GRCh37 (hg19) VCF-style: chr4-123277815-C-CAA.
Other names: c.14541_14542insAA, p.Glu4848fs (NM_015312.4); short protein forms E4848fs, E4936fs.
Identifiers: ClinVar variation 4813754 (VCV004813754.1).